The following is an entry in ClinVar:

ClinVar aggregate classification (germline): Uncertain significance (1 of 4 stars; one submission).

Conditions:
Peroxisome biogenesis disorder 2B (PBD2B). Identifiers: Orphanet 44, MedGen C3550234, MONDO:0008736, OMIM 202370.

Submission:

Labcorp Genetics (formerly Invitae), Labcorp
Classification: Uncertain significance for Peroxisome biogenesis disorder 2B. Last evaluated: 2022-07-06. Review status: criteria provided, single submitter. Criteria: Invitae Variant Classification Sherloc (09022015). Collection method: clinical testing. Allele origin: germline.
Comment: This sequence change falls in intron 3 of the PEX5 gene. It does not directly change the encoded amino acid sequence of the PEX5 protein. It affects a nucleotide within the consensus splice site. This variant is not present in population databases (gnomAD no frequency). This variant has not been reported in the literature in individuals affected with PEX5-related conditions. ClinVar contains an entry for this variant (Variation ID: 1521561). Variants that disrupt the consensus splice site are a relatively common cause of aberrant splicing (PMID: 17576681, 9536098). Algorithms developed to predict the effect of sequence changes on RNA splicing suggest that this variant is not likely to affect RNA splicing. In summary, the available evidence is currently insufficient to determine the role of this variant in disease. Therefore, it has been classified as a Variant of Uncertain Significance.

Literature cited by the submitters: PubMed 17576681; PubMed 9536098.

NM_001351132.2(PEX5):c.183+4A>G

Gene: PEX5 (peroxisomal biogenesis factor 5; plus strand). Cytogenetic location: 12p13.31.
Variant type: single nucleotide variant.
Coding change: c.183+4A>G on transcript NM_001351132.2 (MANE Select); 4 bases into the intron after coding-DNA position 183, A replaced by G.
Molecular consequence: intron variant.
Genome position (GRCh38, 1-based): chr12:7,190,927, A>G. VCF-style: chr12-7190927-A-G. GRCh37 (hg19) VCF-style: chr12-7343523-A-G.
Other names: c.183+4A>G (NM_001351124.3, NM_001131026.2, NM_001351131.2 and 19 more transcripts); c.228+4A>G (NM_001351135.3, NM_001131023.2, NM_001351138.2).
Identifiers: ClinVar variation 1521561 (VCV001521561.6), dbSNP rs2135890266, ClinGen allele CA2573148417.